The following is an entry in ClinVar:

NM_005476.7(GNE):c.1233C>T (p.Ala411=)

Gene: GNE (glucosamine (UDP-N-acetyl)-2-epimerase/N-acetylmannosamine kinase; minus strand). Cytogenetic location: 9p13.3.
Variant type: single nucleotide variant.
Coding change: c.1233C>T on transcript NM_005476.7 (MANE Select); coding-DNA position 1233, C replaced by T.
Protein change: p.Ala411=; no amino-acid change (alanine 411 retained).
Molecular consequence: synonymous variant.
Genome position (GRCh38, 1-based): chr9:36,227,296, G>A on the plus strand (C>T on the coding strand, the complement: GNE is on the minus strand). VCF-style: chr9-36227296-G-A. GRCh37 (hg19) VCF-style: chr9-36227293-G-A.
Other names: c.1326C>T, p.Ala442= (NM_001128227.3); c.1233C>T, p.Ala411= (NM_001190383.3); c.903C>T, p.Ala301= (NM_001190384.3); c.1056C>T, p.Ala352= (NM_001190388.2, NM_001374798.1); c.1080C>T, p.Ala360= (NM_001374797.1).
Identifiers: ClinVar variation 388696 (VCV000388696.8), dbSNP rs1057523203, ClinGen allele CA16605708.
Genomic context (GRCh38, chr9:36,227,296, plus strand): 5'-GAGTTATTTTACCTTCATGCTGACTATTGCAACTCGGAGGTTCGTCCCGCCAAGATCAAC[G>A]GCCAAGGCACTTAGAGTTTCAAGAATATGGTCAATATCTTGAGAGATATTCTCCTTCACA-3'
Protein context (NP_005467.1, residues 401-421): DHILETLSAL[Ala411=]VDLGGTNLRV

ClinVar aggregate classification (germline): Likely benign. Review status: criteria provided, multiple submitters, no conflicts (2 of 4 stars). 2 submissions from 2 submitters: Likely benign (2). Last evaluated 2025-03-20.

Conditions:
GNE myopathy (NM). Also called: INCLUSION BODY MYOPATHY, HEREDITARY, AUTOSOMAL RECESSIVE; IBM 2; Inclusion body myopathy autosomal recessive; Inclusion body myopathy quadriceps sparing; NONAKA DISTAL MYOPATHY; INCLUSION BODY MYOPATHY 2, AUTOSOMAL RECESSIVE. Identifiers: Orphanet 602, MedGen C1853926, MONDO:0011603, OMIM 605820.
Sialuria. Also called: Sialic Acid Storage Disease; SIALURIA, FRENCH TYPE. Identifiers: Orphanet 3166, MedGen C0342853, MONDO:0010028, OMIM 269921.

Allele frequency attached by ClinVar (database versions not stated): gnomAD exomes below 0.00001; TOPMed 0.00002.

Submissions (2):

Labcorp Genetics (formerly Invitae), Labcorp
Classification: Likely benign for Sialuria; GNE myopathy. Last evaluated: 2025-03-20. Review status: criteria provided, single submitter. Criteria: Invitae Variant Classification Sherloc (09022015). Collection method: clinical testing. Allele origin: germline.

GeneDx
Classification: Likely benign. Last evaluated: 2016-08-31. Review status: criteria provided, single submitter. Criteria: GeneDx Variant Classification (06012015). Collection method: clinical testing. Allele origin: germline. Affected: yes.
Comment: This variant is considered likely benign or benign based on one or more of the following criteria: it is a conservative change, it occurs at a poorly conserved position in the protein, it is predicted to be benign by multiple in silico algorithms, and/or has population frequency not consistent with disease.